The following is an entry in ClinVar:

NM_001701.4(BAAT):c.*1998T>C

Gene: BAAT (bile acid-CoA:amino acid N-acyltransferase; minus strand). Cytogenetic location: 9q31.1.
Variant type: single nucleotide variant.
Coding change: c.*1998T>C on transcript NM_001701.4 (MANE Select); 1998 bases downstream of the stop codon, T replaced by C.
Molecular consequence: 3 prime UTR variant.
Genome position (GRCh38, 1-based): chr9:101,360,430, A>G on the plus strand (T>C on the coding strand, the complement: BAAT is on the minus strand). VCF-style: chr9-101360430-A-G. GRCh37 (hg19) VCF-style: chr9-104122712-A-G.
Other names: c.*1998T>C (NM_001127610.2, NM_001374715.1).
Identifiers: ClinVar variation 364246 (VCV000364246.5), dbSNP rs10123365, ClinGen allele CA10631933.

ClinVar aggregate classification (germline): Benign (1 of 4 stars; one submission).

Conditions:
Hypercholanemia, familial 1 (FHCA1). Identifiers: Orphanet 238475, MedGen C5542604, MONDO:0031446, OMIM 607748.

Allele frequency attached by ClinVar (database versions not stated): gnomAD 0.02020 and 0.02163; 1000 Genomes Project 0.02276; TOPMed 0.02297; 1000 Genomes Project 30x 0.02483.

Submission:

Illumina Laboratory Services, Illumina
Classification: Benign for Hypercholanemia, familial 1. Last evaluated: 2018-01-13. Review status: criteria provided, single submitter. Criteria: ICSL Variant Classification Criteria 13 December 2019. Collection method: clinical testing. Allele origin: germline.
Comment: This variant was observed in the ICSL laboratory as part of a predisposition screen in an ostensibly healthy population. It had not been previously curated by ICSL or reported in the Human Gene Mutation Database (HGMD: prior to June 1st, 2018), and was therefore a candidate for classification through an automated scoring system. Utilizing variant allele frequency, disease prevalence and penetrance estimates, and inheritance mode, an automated score was calculated to assess if this variant is too frequent to cause the disease. Based on the score and internal cut-off values, a variant classified as benign is not then subjected to further curation. The score for this variant resulted in a classification of benign for this disease.